The following is an entry in ClinVar:

NM_005148.4(UNC119):c.232T>C (p.Ser78Pro)

Gene: UNC119 (unc-119 lipid binding chaperone; minus strand). Cytogenetic location: 17q11.2.
Variant type: single nucleotide variant.
Coding change: c.232T>C on transcript NM_005148.4 (MANE Select); coding-DNA position 232, T replaced by C.
Protein change: p.Ser78Pro; replaces serine 78 with proline.
Molecular consequence: missense variant. On other transcripts: 5 prime UTR variant (1).
Genome position (GRCh38, 1-based): chr17:28,548,694, A>G on the plus strand (T>C on the coding strand, the complement: UNC119 is on the minus strand). VCF-style: chr17-28548694-A-G. GRCh37 (hg19) VCF-style: chr17-26875712-A-G.
Other names: c.-54T>C (NM_001330166.2); c.232T>C, p.Ser78Pro (NM_054035.2); short protein forms S78P.
Identifiers: ClinVar variation 2112415 (VCV002112415.6), dbSNP rs2070239676, ClinGen allele CA398333222.

ClinVar aggregate classification (germline): Uncertain significance. Review status: criteria provided, multiple submitters, no conflicts (2 of 4 stars). 3 submissions from 3 submitters: Uncertain significance (3). Last evaluated 2025-07-18.

Allele frequency attached by ClinVar (database versions not stated): gnomAD exomes below 0.00001; TOPMed below 0.00001.
gnomAD v4.1: 1 of 1,613,782 alleles (0.000062%); highest among the groups gnomAD compares: Non-Finnish European, 0.000085%; no homozygotes.

Submissions (3):

Ambry Genetics
Classification: Uncertain significance. Last evaluated: 2025-07-18. Review status: criteria provided, single submitter. Criteria: Ambry Variant Classification Scheme 2023. Collection method: clinical testing. Allele origin: germline.

Labcorp Genetics (formerly Invitae), Labcorp
Classification: Uncertain significance. Last evaluated: 2024-10-23. Review status: criteria provided, single submitter. Criteria: Invitae Variant Classification Sherloc (09022015). Collection method: clinical testing. Allele origin: germline.
Comment: This sequence change replaces serine, which is neutral and polar, with proline, which is neutral and non-polar, at codon 78 of the UNC119 protein (p.Ser78Pro). This variant is not present in population databases (gnomAD no frequency). This variant has not been reported in the literature in individuals affected with UNC119-related conditions. ClinVar contains an entry for this variant (Variation ID: 2112415). An algorithm developed to predict the effect of missense changes on protein structure and function (PolyPhen-2) suggests that this variant is likely to be tolerated. In summary, the available evidence is currently insufficient to determine the role of this variant in disease. Therefore, it has been classified as a Variant of Uncertain Significance.

Blueprint Genetics
Classification: Uncertain significance. Last evaluated: 2024-07-26. Review status: criteria provided, single submitter. Criteria: ACMG Guidelines, 2015. Collection method: clinical testing. Allele origin: germline.